The following is an entry in ClinVar:

ClinVar aggregate classification (germline): Uncertain significance (1 of 4 stars; one submission).

Allele frequency attached by ClinVar (database versions not stated): TOPMed below 0.00001; gnomAD 0.00001; gnomAD exomes 0.00001.
gnomAD v4.1: 9 of 1,614,122 alleles (0.00056%); highest among the groups gnomAD compares: African/African-American, 0.0093%; no homozygotes.

Submission:

Labcorp Genetics (formerly Invitae), Labcorp
Classification: Uncertain significance. Last evaluated: 2023-04-24. Review status: criteria provided, single submitter. Criteria: Invitae Variant Classification Sherloc (09022015). Collection method: clinical testing. Allele origin: germline.
Comment: This variant is present in population databases (no rsID available, gnomAD 0.007%). This variant has not been reported in the literature in individuals affected with RP1L1-related conditions. ClinVar contains an entry for this variant (Variation ID: 1481719). Advanced modeling of protein sequence and biophysical properties (such as structural, functional, and spatial information, amino acid conservation, physicochemical variation, residue mobility, and thermodynamic stability) performed at Invitae indicates that this missense variant is not expected to disrupt RP1L1 protein function. In summary, the available evidence is currently insufficient to determine the role of this variant in disease. Therefore, it has been classified as a Variant of Uncertain Significance. This sequence change replaces serine, which is neutral and polar, with cysteine, which is neutral and slightly polar, at codon 242 of the RP1L1 protein (p.Ser242Cys).

NM_178857.6(RP1L1):c.725C>G (p.Ser242Cys)

Gene: RP1L1 (RP1 like 1). Cytogenetic location: 8p23.1.
Variant type: single nucleotide variant.
Coding change: c.725C>G on transcript NM_178857.6 (MANE Select); coding-DNA position 725, C replaced by G.
Protein change: p.Ser242Cys; replaces serine 242 with cysteine.
Molecular consequence: missense variant.
Genome position (GRCh38, 1-based): chr8:10,616,472, G>C on the plus strand (C>G on the coding strand, the complement: RP1L1 is on the minus strand). VCF-style: chr8-10616472-G-C. GRCh37 (hg19) VCF-style: chr8-10473982-G-C.
Other names: short protein forms S242C.
Identifiers: ClinVar variation 1481719 (VCV001481719.6), dbSNP rs1217330995, ClinGen allele CA370299075.
Genomic context (GRCh38, chr8:10,616,472, plus strand): 5'-AAATCAGATGGGGGAAACCCAAAAACCAACTCACCGTTTTTGTTTCTTGAAGTCAGCCCA[G>C]ATAAAGTTTCAGCCTCGCTTCTCCTGGCATTTTTCATGGCTGGGGTTCTGAAGGCCTCAT-3'
Protein context (NP_849188.4, residues 232-252): NARRSEAETL[Ser242Cys]GLTSRNKNGS